The following is an entry in ClinVar:

NC_000023.11:g.(?_32844783)_(33211312_?)dup

Gene: DMD (dystrophin; minus strand). Cytogenetic location: Xp21.1.
Variant type: Duplication.
Identifiers: ClinVar variation 832432 (VCV000832432.6).

ClinVar aggregate classification (germline): Uncertain significance (1 of 4 stars; one submission).

Conditions:
Duchenne muscular dystrophy (DMD). Also called: Duchenne Muscular Dystrophy (DMD); MUSCULAR DYSTROPHY, PSEUDOHYPERTROPHIC PROGRESSIVE, DUCHENNE TYPE. Identifiers: Orphanet 98896, MedGen C0013264, MONDO:0010679, OMIM 310200.

Submission:

Labcorp Genetics (formerly Invitae), Labcorp
Classification: Uncertain significance for Duchenne muscular dystrophy. Last evaluated: 2019-12-28. Review status: criteria provided, single submitter. Criteria: Invitae Variant Classification Sherloc (09022015). Collection method: clinical testing. Allele origin: germline.
Comment: This variant results in a copy number gain of the genomic region encompassing exons 1-4 of the DMD gene, which includes the initiator codon. The 5' end of this event is unknown as it extends beyond the assayed region for this gene and therefore may encompass additional genes. The 3' boundary is likely confined to intron 4 of the DMD gene. As the precise location of this event is unknown, it may be in tandem or it may be located elsewhere in the genome. This variant has not been reported in the literature in individuals with DMD-related conditions. In summary, the available evidence is currently insufficient to determine the role of this variant in disease. Therefore, it has been classified as a Variant of Uncertain Significance.